The following is an entry in ClinVar:

GRCh38/hg38 19q13.2-13.31(chr19:42738643-43237158)x1

Genes: PSG1 (pregnancy specific beta-1-glycoprotein 1; minus strand), PSG11 (pregnancy specific beta-1-glycoprotein 11; minus strand), PSG11-AS1 (PSG11, PSG2 and PSG5 antisense RNA 1; plus strand), PSG2 (pregnancy specific beta-1-glycoprotein 2; minus strand), PSG3 (pregnancy specific beta-1-glycoprotein 3; minus strand) and 7 more. Cytogenetic location: 19q13.2-13.31.
Variant type: copy number loss.
Change: copy number 1 (one copy instead of two) of chr19:42,738,643-43,237,158 (498.5 kb, GRCh38 coordinates, 1-based), cytogenetic band 19q13.2-13.31.
Identifiers: ClinVar variation 161031 (VCV000161031.1).

ClinVar aggregate classification (germline): Benign (1 of 4 stars; one submission).

Submission:

ISCA site 4
Classification: Benign. Last evaluated: 2011-08-12. Review status: criteria provided, single submitter. Criteria: Kaminsky et al. (Genet Med. 2011). Collection method: clinical testing. Allele origin: unknown. Affected: yes. Observed: 2 variant alleles.
Comment: Copy number variation identified through the course of routine clinical cytogenomic testing in postnatal populations. Clinical assertions have been curated as described in Kaminsky et al. 2011.